The following is an entry in ClinVar:

NM_000540.3(RYR1):c.2422G>A (p.Ala808Thr)

Gene: RYR1 (ryanodine receptor 1; plus strand). Cytogenetic location: 19q13.2.
Variant type: single nucleotide variant.
Coding change: c.2422G>A on transcript NM_000540.3 (MANE Select); coding-DNA position 2422, G replaced by A.
Protein change: p.Ala808Thr; replaces alanine 808 with threonine.
Molecular consequence: missense variant.
Genome position (GRCh38, 1-based): chr19:38,460,436, G>A. VCF-style: chr19-38460436-G-A. GRCh37 (hg19) VCF-style: chr19-38951076-G-A.
Other names: c.2422G>A, p.Ala808Thr (NM_001042723.2); short protein forms A808T.
Identifiers: ClinVar variation 3362117 (VCV003362117.1).

ClinVar aggregate classification (germline): Uncertain significance (1 of 4 stars; one submission).

gnomAD v4.1: 1 of 1,614,070 alleles (0.000062%); highest among the groups gnomAD compares: African/African-American, 0.0013%; no homozygotes.

Submission:

GeneDx
Classification: Uncertain significance. Last evaluated: 2023-06-02. Review status: criteria provided, single submitter. Criteria: GeneDx Variant Classification Process June 2021. Collection method: clinical testing. Allele origin: germline. Affected: yes.
Comment: Not observed at significant frequency in large population cohorts (gnomAD); In silico analysis supports that this missense variant has a deleterious effect on protein structure/function; Has not been previously published as pathogenic or benign to our knowledge